The following is an entry in ClinVar:

ClinVar aggregate classification (germline): Uncertain significance (1 of 4 stars; one submission).

Conditions:
Kabuki syndrome. Also called: Kabuki make-up syndrome; NIIKAWA-KUROKI SYNDROME. Identifiers: Orphanet 2322, MedGen C0796004, MONDO:0016512.

Submission:

Labcorp Genetics (formerly Invitae), Labcorp
Classification: Uncertain significance for Kabuki syndrome. Last evaluated: 2024-01-12. Review status: criteria provided, single submitter. Criteria: Invitae Variant Classification Sherloc (09022015). Collection method: clinical testing. Allele origin: germline.
Comment: This variant, c.11864_11920del, results in the deletion of 19 amino acid(s) of the KMT2D protein (p.Leu3955_Gln3973del), but otherwise preserves the integrity of the reading frame. This variant is not present in population databases (gnomAD no frequency). This variant has not been reported in the literature in individuals affected with KMT2D-related conditions. Experimental studies and prediction algorithms are not available or were not evaluated, and the functional significance of this variant is currently unknown. In summary, the available evidence is currently insufficient to determine the role of this variant in disease. Therefore, it has been classified as a Variant of Uncertain Significance.

NM_003482.4(KMT2D):c.11864_11920del (p.Leu3955_Gln3973del)

Gene: KMT2D (lysine methyltransferase 2D; minus strand). Cytogenetic location: 12q13.12.
Variant type: Deletion.
Coding change: c.11864_11920del on transcript NM_003482.4 (MANE Select); coding-DNA positions 11864 to 11920, 57 bases deleted.
Protein change: p.Leu3955_Gln3973del.
Molecular consequence: inframe deletion.
Genome position (GRCh38, 1-based): chr12:49,032,785-49,032,841, 57 bases deleted. GRCh37 (hg19): chr12:49,426,584-49,426,640.
Identifiers: ClinVar variation 2802280 (VCV002802280.3), dbSNP rs2498359787, ClinGen allele CA2739271975.